The following is an entry in ClinVar:

NM_000733.4(CD3E):c.521-23T>C

Gene: CD3E (CD3 epsilon subunit of T-cell receptor complex; plus strand). Cytogenetic location: 11q23.3.
Variant type: single nucleotide variant.
Coding change: c.521-23T>C on transcript NM_000733.4 (MANE Select); 23 bases into the intron before coding-DNA position 521, T replaced by C.
Molecular consequence: intron variant.
Genome position (GRCh38, 1-based): chr11:118,314,425, T>C. VCF-style: chr11-118314425-T-C. GRCh37 (hg19) VCF-style: chr11-118185140-T-C.
Identifiers: ClinVar variation 1291553 (VCV001291553.5), dbSNP rs2298821, ClinGen allele CA6301760.

ClinVar aggregate classification (germline): Benign. Review status: criteria provided, multiple submitters, no conflicts (2 of 4 stars). 3 submissions from 3 submitters: Benign (3). Last evaluated 2023-11-12.

Allele frequency attached by ClinVar (database versions not stated): 1000 Genomes Project 30x 0.23220; 1000 Genomes Project 0.23303; ESP Exome Variant Server 0.25085; gnomAD 0.26348 and 0.26602; TOPMed 0.26633; gnomAD exomes 0.31401 and 0.32221; ExAC 0.31975.
gnomAD v4.1: 496,568 of 1,606,628 alleles (31%); highest among the groups gnomAD compares: Admixed American, 48%; 80,181 homozygotes.

Submissions (3):

Unidad de Genómica Garrahan, Hospital de Pediatría Garrahan
Classification: Benign. Last evaluated: 2023-11-12. Review status: criteria provided, single submitter. Criteria: ACMG Guidelines, 2015. Collection method: clinical testing. Allele origin: germline. Affected: no. Observed: 65 variant alleles.
Comment: This variant is classified as Benign based on local population frequency. This variant was detected in 68% of patients studied by a panel of primary immunodeficiencies. Number of patients: 65. Only high quality variants are reported.

GeneDx
Classification: Benign. Last evaluated: 2018-07-02. Review status: criteria provided, single submitter. Criteria: GeneDx Variant Classification Process June 2021. Collection method: clinical testing. Allele origin: germline. Affected: yes.

Breakthrough Genomics
Classification: Benign. Review status: criteria provided, single submitter. Criteria: ACMG Guidelines, 2015. Collection method: not provided. Allele origin: germline. Inheritance: Autosomal recessive inheritance. Affected: yes.